The following is an entry in ClinVar:

ClinVar aggregate classification (germline): Likely pathogenic (1 of 4 stars; one submission).

Conditions:
Hereditary cancer-predisposing syndrome. Also called: Neoplastic Syndromes, Hereditary; Tumor predisposition; Hereditary Cancer Syndrome; Hereditary neoplastic syndrome. Identifiers: Orphanet 140162, MedGen C0027672, MeSH D009386, MONDO:0015356.

Submission:

Ambry Genetics
Classification: Likely pathogenic for Hereditary cancer-predisposing syndrome. Last evaluated: 2026-01-27. Review status: criteria provided, single submitter. Criteria: Ambry Variant Classification Scheme 2023. Collection method: clinical testing. Allele origin: germline.
Comment: The c.574-26A>G intronic variant results from an A to G substitution 26 nucleotides upstream from coding exon 5 in the DICER1 gene. This variant was reported in individual(s) with features consistent with DICER1-related tumor predisposition syndrome (Hirschi OR et al. Genet Med Open, 2024 May;2:101850). This nucleotide position is well conserved in available vertebrate species. In silico splice site analysis predicts that this alteration will weaken the native splice acceptor site and may result in the creation or strengthening of a novel splice acceptor site. RNA studies have demonstrated that this variant results in abnormal splicing in the set of samples tested (Hirschi OR et al. Genet Med Open, 2024 May;2:101850; Ambry internal data). This variant is considered to be rare based on population cohorts in the Genome Aggregation Database (gnomAD). Based on the majority of available evidence to date, this variant is likely to be pathogenic.

Literature cited by the submitters: PubMed 39669609.

NM_177438.3(DICER1):c.574-26A>G

Gene: DICER1 (dicer 1, ribonuclease III; minus strand). Cytogenetic location: 14q32.13.
Variant type: single nucleotide variant.
Coding change: c.574-26A>G on transcript NM_177438.3 (MANE Select); 26 bases into the intron before coding-DNA position 574, A replaced by G.
Molecular consequence: intron variant.
Genome position (GRCh38, 1-based): chr14:95,129,658, T>C on the plus strand (A>G on the coding strand, the complement: DICER1 is on the minus strand). VCF-style: chr14-95129658-T-C. GRCh37 (hg19) VCF-style: chr14-95595995-T-C.
Other names: c.574-26A>G (NM_001395678.1, NM_001395680.1, NM_001395684.1 and 14 more transcripts); c.169-26A>G (NM_001395690.1, NM_001395687.1, NM_001395689.1 and 3 more transcripts); c.292-26A>G (NM_001395686.1); c.7-26A>G (NM_001395691.1); c.-995-26A>G (NM_001395697.1).
Identifiers: ClinVar variation 4843086 (VCV004843086.1).